The following is an entry in ClinVar:

ClinVar aggregate classification (germline): Uncertain significance (1 of 4 stars; one submission).

Submission:

GeneDx
Classification: Uncertain significance. Last evaluated: 2025-05-21. Review status: criteria provided, single submitter. Criteria: GeneDx Variant Classification Process June 2021. Collection method: clinical testing. Allele origin: germline. Affected: yes.
Comment: Not observed at significant frequency in large population cohorts (gnomAD); In silico analysis suggests that this missense variant does not alter protein structure/function; Has not been previously published as pathogenic or benign to our knowledge

NM_014491.4(FOXP2):c.733C>T (p.Pro245Ser)

Gene: FOXP2 (forkhead box P2; plus strand). Cytogenetic location: 7q31.1.
Variant type: single nucleotide variant.
Coding change: c.733C>T on transcript NM_014491.4 (MANE Select); coding-DNA position 733, C replaced by T.
Protein change: p.Pro245Ser; replaces proline 245 with serine.
Molecular consequence: missense variant. On other transcripts: non-coding transcript variant (2).
Genome position (GRCh38, 1-based): chr7:114,631,663, C>T. VCF-style: chr7-114631663-C-T. GRCh37 (hg19) VCF-style: chr7-114271718-C-T.
Other names: c.730C>T, p.Pro244Ser (NM_001172766.3); c.808C>T, p.Pro270Ser (NM_001172767.2, NM_148898.4); c.733C>T, p.Pro245Ser (NM_148899.3); c.784C>T, p.Pro262Ser (NM_148900.4); short protein forms P244S, P245S, P262S, P270S.
Identifiers: ClinVar variation 4530709 (VCV004530709.1).
Genomic context (GRCh38, chr7:114,631,663, plus strand): 5'-CAACAACTCCAGCAGCAGCAGCATCTGCTCAGCCTTCAGCGTCAGGGACTCATCTCCATT[C>T]CACCTGGCCAGGCAGCACTTCCTGTCCAATCGCTGCCTCAAGGTACATACAAAATGTTGT-3'
Protein context (NP_055306.1, residues 235-255): SLQRQGLISI[Pro245Ser]PGQAALPVQS